The following is an entry in ClinVar:

ClinVar aggregate classification (germline): Uncertain significance (1 of 4 stars; one submission).

Allele frequency attached by ClinVar (database versions not stated): gnomAD 0.00001; TOPMed 0.00001.
gnomAD v4.1: 1 of 1,602,776 alleles (0.000062%); highest among the groups gnomAD compares: Admixed American, 0.0017%; no homozygotes.

Submission:

Labcorp Genetics (formerly Invitae), Labcorp
Classification: Uncertain significance. Last evaluated: 2022-09-05. Review status: criteria provided, single submitter. Criteria: Invitae Variant Classification Sherloc (09022015). Collection method: clinical testing. Allele origin: germline.
Comment: In summary, the available evidence is currently insufficient to determine the role of this variant in disease. Therefore, it has been classified as a Variant of Uncertain Significance. Algorithms developed to predict the effect of sequence changes on RNA splicing suggest that this variant may disrupt the consensus splice site. This variant has not been reported in the literature in individuals affected with ALPK3-related conditions. This variant is not present in population databases (gnomAD no frequency). This sequence change falls in intron 13 of the ALPK3 gene. It does not directly change the encoded amino acid sequence of the ALPK3 protein.

NM_020778.5(ALPK3):c.4773-13T>A

Gene: ALPK3 (alpha kinase 3; plus strand). Cytogenetic location: 15q25.3.
Variant type: single nucleotide variant.
Coding change: c.4773-13T>A on transcript NM_020778.5 (MANE Select); 13 bases into the intron before coding-DNA position 4773, T replaced by A.
Molecular consequence: intron variant.
Genome position (GRCh38, 1-based): chr15:84,868,098, T>A. VCF-style: chr15-84868098-T-A. GRCh37 (hg19) VCF-style: chr15-85411329-T-A.
Identifiers: ClinVar variation 2042871 (VCV002042871.4), dbSNP rs1964021929, ClinGen allele CA2192388720.